The following is an entry in ClinVar:

NM_019098.5(CNGB3):c.12G>A (p.Ser4=)

Gene: CNGB3 (cyclic nucleotide gated channel subunit beta 3; minus strand). Cytogenetic location: 8q21.3.
Variant type: single nucleotide variant.
Coding change: c.12G>A on transcript NM_019098.5 (MANE Select); coding-DNA position 12, G replaced by A.
Protein change: p.Ser4=; no amino-acid change (serine 4 retained).
Molecular consequence: synonymous variant.
Genome position (GRCh38, 1-based): chr8:86,743,616, C>T on the plus strand (G>A on the coding strand, the complement: CNGB3 is on the minus strand). VCF-style: chr8-86743616-C-T. GRCh37 (hg19) VCF-style: chr8-87755844-C-T.
Other names: c.12G>A (NM_019098.4).
Identifiers: ClinVar variation 1139688 (VCV001139688.13), dbSNP rs139284415, ClinGen allele CA4800548.

ClinVar aggregate classification (germline): Likely benign. Review status: criteria provided, multiple submitters, no conflicts (2 of 4 stars). 4 submissions from 4 submitters: Likely benign (2). 2 of the submissions do not count toward it. Last evaluated 2026-01-26.

Conditions:
Achromatopsia. Also called: Rod monochromatism. Identifiers: Orphanet 49382, MedGen C0152200, MONDO:0018852, HP:0011516.
CNGB3-related disorder. Also called: CNGB3-related disorders; CNGB3-related condition. Identifiers: MedGen CN239340.

Allele frequency attached by ClinVar (database versions not stated): ExAC 0.00007; gnomAD 0.00013 and 0.00015; ESP Exome Variant Server 0.00015; 1000 Genomes Project 30x 0.00016; 1000 Genomes Project 0.00020; TOPMed 0.00021.
gnomAD v4.1: 83 of 1,613,886 alleles (0.0051%); highest among the groups gnomAD compares: African/African-American, 0.059%; no homozygotes.

Submissions (4):

Labcorp Genetics (formerly Invitae), Labcorp
Classification: Likely benign. Last evaluated: 2026-01-26. Review status: criteria provided, single submitter. Criteria: Invitae Variant Classification Sherloc (09022015). Collection method: clinical testing. Allele origin: germline.

Blueprint Genetics
Classification: Likely benign. Last evaluated: 2020-01-08. Review status: criteria provided, single submitter. Criteria: ACMG Guidelines, 2015. Collection method: clinical testing. Allele origin: germline.

Natera, Inc.
Classification: Likely benign for Achromatopsia. Last evaluated: 2021-08-25. Review status: no assertion criteria provided. Collection method: clinical testing. Allele origin: germline. Not counted in ClinVar's aggregate classification.

PreventionGenetics, part of Exact Sciences
Classification: Likely benign for CNGB3-related condition. Last evaluated: 2019-02-18. Review status: no assertion criteria provided. Collection method: clinical testing. Allele origin: germline. Not counted in ClinVar's aggregate classification.
Comment: This variant is classified as likely benign based on ACMG/AMP sequence variant interpretation guidelines (Richards et al. 2015 PMID: 25741868, with internal and published modifications).